The following is an entry in ClinVar:

NM_033305.3(VPS13A):c.5057del (p.Leu1686fs)

Gene: VPS13A (vacuolar protein sorting 13 homolog A; plus strand). Cytogenetic location: 9q21.2.
Variant type: Deletion.
Coding change: c.5057del on transcript NM_033305.3 (MANE Select); coding-DNA position 5057, one base deleted (T; older notation c.5057delT).
Protein change: p.Leu1686fs; shifts the reading frame from leucine 1686.
Molecular consequence: frameshift variant.
Genome position (GRCh38, 1-based): chr9:77,318,335, T deleted; the last of 3 consecutive T bases (chr9:77,318,333-77,318,335); deleting any one gives the same sequence. VCF-style (leftmost placement, unchanged base first): chr9-77318332-AT-A. GRCh37 (hg19) VCF-style: chr9-79933248-AT-A.
Other names: c.4940del, p.Leu1647fs (NM_001018037.2); c.5057del, p.Leu1686fs (NM_001018038.3, NM_015186.4); short protein forms L1647fs, L1686fs.
Identifiers: ClinVar variation 2037129 (VCV002037129.4), dbSNP rs755708141, ClinGen allele CA5092680.
Genomic context (GRCh38, chr9:77,318,332, plus strand): 5'-CTTCAGCACTGTATACAACTAAGGAAACCATCCCAGAAGAAACGGCTTCTTCTACTGCAC[AT>A]TTATGGGAAAAGAAGGATACAAAGACTTTAAAAATGTGGTTTCTTGAAGAATCAAATGAA-3'

ClinVar aggregate classification (germline): Pathogenic (1 of 4 stars; one submission).

Submission:

Labcorp Genetics (formerly Invitae), Labcorp
Classification: Pathogenic. Last evaluated: 2024-11-11. Review status: criteria provided, single submitter. Criteria: Invitae Variant Classification Sherloc (09022015). Collection method: clinical testing. Allele origin: germline.
Comment: This sequence change creates a premature translational stop signal (p.Leu1686Tyrfs*10) in the VPS13A gene. It is expected to result in an absent or disrupted protein product. Loss-of-function variants in VPS13A are known to be pathogenic (PMID: 12404112, 21598378). This variant is present in population databases (rs755708141, gnomAD 0.003%). This variant has not been reported in the literature in individuals affected with VPS13A-related conditions. ClinVar contains an entry for this variant (Variation ID: 2037129). For these reasons, this variant has been classified as Pathogenic.

Literature cited by the submitters: PubMed 12404112; PubMed 21598378.